The following is an entry in ClinVar:

NM_000051.4(ATM):c.2338A>G (p.Met780Val)

Gene: ATM (ATM serine/threonine kinase; plus strand). Cytogenetic location: 11q22.3.
Variant type: single nucleotide variant.
Coding change: c.2338A>G on transcript NM_000051.4 (MANE Select); coding-DNA position 2338, A replaced by G.
Protein change: p.Met780Val; replaces methionine 780 with valine.
Molecular consequence: missense variant.
Genome position (GRCh38, 1-based): chr11:108,257,568, A>G. VCF-style: chr11-108257568-A-G. GRCh37 (hg19) VCF-style: chr11-108128295-A-G.
Other names: c.2338A>G, p.Met780Val (NM_001351834.2); short protein forms M780V.
Identifiers: ClinVar variation 481240 (VCV000481240.11), dbSNP rs587781446, ClinGen allele CA382540123.

ClinVar aggregate classification (germline): Uncertain significance. Review status: criteria provided, multiple submitters, no conflicts (2 of 4 stars). 2 submissions from 2 submitters: Uncertain significance (2). Last evaluated 2024-02-02.

Conditions:
Hereditary cancer-predisposing syndrome. Also called: Hereditary neoplastic syndrome; Neoplastic Syndromes, Hereditary; Tumor predisposition; Hereditary Cancer Syndrome. Identifiers: Orphanet 140162, MedGen C0027672, MeSH D009386, MONDO:0015356.
Ataxia-telangiectasia syndrome (AT). Also called: LOUIS-BAR SYNDROME; Cerebello-oculocutaneous telangiectasia; Immunodeficiency with ataxia telangiectasia; AT, COMPLEMENTATION GROUP C; Ataxia-telangiectasia, complementation group D; ATAXIA-TELANGIECTASIA, COMPLEMENTATION GROUP A. Identifiers: Orphanet 100, MedGen C0004135, MONDO:0008840, OMIM 208900.

gnomAD v4.1: 1 of 1,614,018 alleles (0.000062%); highest among the groups gnomAD compares: South Asian, 0.0011%; no homozygotes.

Submissions (2):

Ambry Genetics
Classification: Uncertain significance for Hereditary cancer-predisposing syndrome. Last evaluated: 2024-02-02. Review status: criteria provided, single submitter. Criteria: Ambry Variant Classification Scheme 2023. Collection method: clinical testing. Allele origin: germline.
Comment: The p.M780V variant (also known as c.2338A>G), located in coding exon 14 of the ATM gene, results from an A to G substitution at nucleotide position 2338. The methionine at codon 780 is replaced by valine, an amino acid with highly similar properties. This amino acid position is not well conserved in available vertebrate species. In addition, this alteration is predicted to be tolerated by in silico analysis. Since supporting evidence is limited at this time, the clinical significance of this alteration remains unclear.

Labcorp Genetics (formerly Invitae), Labcorp
Classification: Uncertain significance for Ataxia-telangiectasia syndrome. Last evaluated: 2021-09-18. Review status: criteria provided, single submitter. Criteria: Invitae Variant Classification Sherloc (09022015). Collection method: clinical testing. Allele origin: germline.
Comment: This sequence change replaces methionine with valine at codon 780 of the ATM protein (p.Met780Val). The methionine residue is moderately conserved and there is a small physicochemical difference between methionine and valine. In summary, the available evidence is currently insufficient to determine the role of this variant in disease. Therefore, it has been classified as a Variant of Uncertain Significance. Advanced modeling of protein sequence and biophysical properties (such as structural, functional, and spatial information, amino acid conservation, physicochemical variation, residue mobility, and thermodynamic stability) performed at Invitae indicates that this missense variant is not expected to disrupt ATM protein function. ClinVar contains an entry for this variant (Variation ID: 481240). This variant has not been reported in the literature in individuals affected with ATM-related conditions. This variant is not present in population databases (ExAC no frequency).